The following is an entry in ClinVar:

ClinVar aggregate classification (germline): Uncertain significance. Review status: criteria provided, multiple submitters, no conflicts (2 of 4 stars). 4 submissions from 4 submitters: Uncertain significance (4). Last evaluated 2025-01-13.

Conditions:
Familial melanoma. Also called: Hereditary melanoma; Hereditary cutaneous melanoma. Identifiers: Orphanet 618, MedGen C1512419, MONDO:0018961.
Hereditary cancer-predisposing syndrome. Also called: Tumor predisposition; Neoplastic Syndromes, Hereditary; Hereditary Cancer Syndrome; Hereditary neoplastic syndrome. Identifiers: Orphanet 140162, MedGen C0027672, MeSH D009386, MONDO:0015356.
Melanoma and neural system tumor syndrome. Also called: MELANOMA-ASTROCYTOMA SYNDROME. Identifiers: Orphanet 252206, MedGen C1835042, MONDO:0007967, OMIM 155755.

Submissions (4):

Ambry Genetics
Classification: Uncertain significance for Hereditary cancer-predisposing syndrome. Last evaluated: 2025-01-13. Review status: criteria provided, single submitter. Criteria: Ambry Variant Classification Scheme 2023. Collection method: clinical testing. Allele origin: germline.
Comment: The p.R107P variant (also known as c.320G>C), located in coding exon 2 of the CDKN2A gene, results from a G to C substitution at nucleotide position 320. The arginine at codon 107 is replaced by proline, an amino acid with dissimilar properties. This amino acid position is not well conserved in available vertebrate species. In addition, the in silico prediction for this alteration is inconclusive. Of note, this alteration is also known as c.363G>C in the p14(ARF) isoform. Since supporting evidence is limited at this time, the clinical significance of this alteration remains unclear.

Baylor Genetics
Classification: Uncertain significance for Melanoma and neural system tumor syndrome. Last evaluated: 2024-03-27. Review status: criteria provided, single submitter. Criteria: ACMG Guidelines, 2015. Collection method: clinical testing. Allele origin: unknown.

Labcorp Genetics (formerly Invitae), Labcorp
Classification: Uncertain significance for Familial melanoma. Last evaluated: 2023-12-24. Review status: criteria provided, single submitter. Criteria: Invitae Variant Classification Sherloc (09022015). Collection method: clinical testing. Allele origin: germline.
Comment: This sequence change replaces arginine, which is basic and polar, with proline, which is neutral and non-polar, at codon 107 of the CDKN2A (p16INK4a) protein (p.Arg107Pro). This variant is not present in population databases (gnomAD no frequency). This variant has not been reported in the literature in individuals affected with CDKN2A (p16INK4a)-related conditions. ClinVar contains an entry for this variant (Variation ID: 630455). An algorithm developed to predict the effect of missense changes on protein structure and function (PolyPhen-2) suggests that this variant¬†is likely to be tolerated. In summary, the available evidence is currently insufficient to determine the role of this variant in disease. Therefore, it has been classified as a Variant of Uncertain Significance.

Color Diagnostics, LLC DBA Color Health
Classification: Uncertain significance for Hereditary cancer-predisposing syndrome. Last evaluated: 2018-07-26. Review status: criteria provided, single submitter. Criteria: ACMG Guidelines, 2015. Collection method: clinical testing. Allele origin: germline.

NM_000077.5(CDKN2A):c.320G>C (p.Arg107Pro)

Gene: CDKN2A (cyclin dependent kinase inhibitor 2A; minus strand). Cytogenetic location: 9p21.3.
Variant type: single nucleotide variant.
Coding change: c.320G>C on transcript NM_000077.5; coding-DNA position 320, G replaced by C.
Protein change: p.Arg107Pro; replaces arginine 107 with proline.
Molecular consequence: missense variant (on NM_000077.6). On other transcripts: synonymous variant (1), 3 prime UTR variant (1).
Genome position (GRCh38, 1-based): chr9:21,971,039, C>G on the plus strand (G>C on the coding strand, the complement: CDKN2A is on the minus strand). VCF-style: chr9-21971039-C-G. GRCh37 (hg19) VCF-style: chr9-21971038-C-G.
Other names: c.320G>C, p.Arg107Pro (NM_000077.6, NM_001195132.2); c.167G>C, p.Arg56Pro (NM_001363763.2); c.363G>C, p.Ala121= (NM_058195.4); c.*243G>C (NM_058197.5); short protein forms R107P, R56P.
Identifiers: ClinVar variation 630455 (VCV000630455.11), dbSNP rs370823171, ClinGen allele CA373086066.